The following is an entry in ClinVar:

NM_017934.7(PHIP):c.2319+4C>T

Gene: PHIP (PHIP subunit of CUL4-Ring ligase complex; minus strand). Cytogenetic location: 6q14.1.
Variant type: single nucleotide variant.
Coding change: c.2319+4C>T on transcript NM_017934.7 (MANE Select); 4 bases into the intron after coding-DNA position 2319, C replaced by T.
Molecular consequence: intron variant.
Genome position (GRCh38, 1-based): chr6:78,990,864, G>A on the plus strand (C>T on the coding strand, the complement: PHIP is on the minus strand). VCF-style: chr6-78990864-G-A. GRCh37 (hg19) VCF-style: chr6-79700581-G-A.
Identifiers: ClinVar variation 4999225 (VCV004999225.1).

ClinVar aggregate classification (germline): Likely benign (1 of 4 stars; one submission).

Conditions:
PHIP-related disorder. Also called: PHIP-related disorders; PHIP-related condition.

Submission:

PreventionGenetics, part of Exact Sciences
Classification: Likely benign for PHIP-related condition. Last evaluated: 2025-03-17. Review status: criteria provided, single submitter. Criteria: ACMG Guidelines, 2015. Collection method: clinical testing. Allele origin: germline.
Comment: This variant is classified as likely benign based on ACMG/AMP sequence variant interpretation guidelines (Richards et al. 2015 PMID: 25741868, with internal and published modifications).